The following is an entry in ClinVar:

ClinVar aggregate classification (germline): Uncertain significance (1 of 4 stars; one submission).
ClinVar aggregate classification (somatic clinical impact): Tier II - Potential (1 of 4 stars; one submission).

Conditions:
Café-au-lait macules with pulmonary stenosis (WTSN). Also called: PULMONIC STENOSIS WITH CAFE-AU-LAIT SPOTS. Identifiers: MedGen C0553586, MONDO:0008672, OMIM 193520.
Juvenile myelomonocytic leukemia (JMML). Also called: LEUKEMIA, JUVENILE MYELOMONOCYTIC, SOMATIC. Identifiers: Orphanet 86834, MedGen C0349639, MONDO:0011908, OMIM 607785, HP:0012209.
Neurofibromatosis-Noonan syndrome (NFNS). Also called: NEUROFIBROMATOSIS WITH NOONAN PHENOTYPE. Identifiers: Orphanet 638, MedGen C2931482, MONDO:0011035, OMIM 601321. Disease mechanism: loss of function.
Neurofibromatosis, type 1 (NF1). Also called: VON RECKLINGHAUSEN DISEASE; Neurofibromatosis, type I; NEUROFIBROMATOSIS, TYPE I, SOMATIC; Peripheral type neurofibromatosis. Identifiers: Orphanet 636, MedGen C0027831, MONDO:0018975, OMIM 162200. Disease mechanism: loss of function.
Neurofibromatosis, familial spinal (FSNF). Identifiers: Orphanet 636, MedGen C1834235, MONDO:0008078, OMIM 162210. Disease mechanism: loss of function.
Embryonal rhabdomyosarcoma (ERMS). Also called: Botryoid rhabdomyosarcoma (type of ERMS); Spindle cell rhabdomyosarcomas (type of ERMS). Identifiers: Orphanet 99757, MedGen C0206656, MONDO:0009993, HP:0006743.

Submissions (2):

Fulgent Genetics
Classification: Uncertain significance for Neurofibromatosis, type 1; Neurofibromatosis, familial spinal; Café-au-lait macules with pulmonary stenosis; Neurofibromatosis-Noonan syndrome; Juvenile myelomonocytic leukemia. Last evaluated: 2024-04-26. Review status: criteria provided, single submitter. Criteria: ACMG Guidelines, 2015. Collection method: clinical testing. Allele origin: germline.

Institute for Genomic Medicine (IGM) Clinical Laboratory, Nationwide Children's Hospital
Classification: Tier II - Potential for Embryonal rhabdomyosarcoma. Assertion type: diagnostic. Clinical significance: supports diagnosis. Last evaluated: 2024-03-26. Review status: criteria provided, single submitter. Criteria: AMP/ASCO/CAP Guidelines, 2017. Collection method: clinical testing. Allele origin: somatic. Affected: yes.
Comment: Variant has Tier II (potential) clinical significance as a diagnostic inclusion criterion in embryonal rhabdomyosarcoma, based on the following evidence: 1) Documented in one or more cancer databases (e.g., St. Jude Pecan, COSMIC, CIViC, OncoKB). 2) Appears in one or more well-established professional guidelines (e.g., World Health Organization [WHO]; National Comprehensive Cancer Network [NCCN]) as providing diagnostic, prognostic, or therapeutic information. 3) Diagnostic significance based on multiple small studies (Evidence Level C; PMIDs: 34166060, 24436047, 26138366, 21412928).

Literature cited by the submitters: PubMed 34166060 (cited by Institute for Genomic Medicine (IGM) Clinical Laboratory, Nationwide Children's Hospital); PubMed 24436047 (cited by Institute for Genomic Medicine (IGM) Clinical Laboratory, Nationwide Children's Hospital); PubMed 26138366 (cited by Institute for Genomic Medicine (IGM) Clinical Laboratory, Nationwide Children's Hospital); PubMed 21412928 (cited by Institute for Genomic Medicine (IGM) Clinical Laboratory, Nationwide Children's Hospital).

NM_001042492.3(NF1):c.6147+3A>C

Gene: NF1 (neurofibromin 1; plus strand). Cytogenetic location: 17q11.2.
Variant type: single nucleotide variant.
Coding change: c.6147+3A>C on transcript NM_001042492.3 (MANE Select); 3 bases into the intron after coding-DNA position 6147, A replaced by C.
Molecular consequence: intron variant.
Genome position (GRCh38, 1-based): chr17:31,336,476, A>C. VCF-style: chr17-31336476-A-C. GRCh37 (hg19) VCF-style: chr17-29663494-A-C.
Other names: c.6084+3A>C (NM_000267.4).
Identifiers: ClinVar variation 3581835 (VCV003581835.2).